The following is an entry in ClinVar:

ClinVar aggregate classification (germline): Uncertain significance (3 of 4 stars; one submission).

Conditions:
Phenylketonuria (PKU). Also called: Phenylketonurias; FOLLING DISEASE; Phenylketonuria (PKU); OLIGOPHRENIA PHENYLPYRUVICA. Identifiers: Orphanet 716, MedGen C0031485, MONDO:0009861, OMIM 261600. Disease mechanism: loss of function.

Submission:

ClinGen PAH Variant Curation Expert Panel
Classification: Uncertain significance for Phenylketonuria. Last evaluated: 2020-12-25. Review status: reviewed by expert panel. Criteria: ClinGen PAH ACMG Specifications v1. Collection method: curation. Allele origin: germline. Inheritance: Autosomal recessive inheritance.
Comment: The p.Intron3del899 (g.103272488_103273387del) variant is an 899bp deletion in Intron 3 of PAH. It has been previously reported as a variant of “uncertain clinical significance” in patient with PKU (plasma Phe levels not provided in paper; BH4 deficiency excluded by sequencing of the genes in the BH4 cofactor metabolism pathway) (PP4_Moderate), who also harbored a deletion in exon 5 (g.103272488_103273386del, leading to a frameshift at His170) and the c.994G>A (p.G322R) missense variant (unclassified/VUS) (PMID: 23942198). It is absent from ethnically diverse control databases, including gnomAD (structural variant version, gnomAD SVs v2.1) (PM2). Classification: VUS Supporting criteria: PM2; PP4_Moderate

NM_000277.3(PAH):c.353-2059_353-1160del

Gene: PAH (phenylalanine hydroxylase; minus strand). Cytogenetic location: 12q23.2.
Variant type: Deletion.
Coding change: c.353-2059_353-1160del on transcript NM_000277.3 (MANE Select); 2059 bases into the intron before coding-DNA position 353 through 1160 bases into the intron before coding-DNA position 353, 900 bases deleted.
Molecular consequence: intron variant.
Genome position (GRCh38, 1-based): chr12:102,878,710-102,879,609, 900 bases deleted. GRCh37 (hg19): chr12:103,272,488-103,273,387.
Other names: NM_001354304.2:c.353-2059_353-1160del; c.353-2059_353-1160del (NM_001354304.2).
Identifiers: ClinVar variation 1693232 (VCV001693232.1), dbSNP rs2136680756, ClinGen allele CA916084428.